The following is an entry in ClinVar:

ClinVar aggregate classification (germline): Benign/Likely benign. Review status: criteria provided, multiple submitters, no conflicts (2 of 4 stars). 4 submissions from 4 submitters: Benign (2); Likely benign (2). Last evaluated 2025-02-12.

Conditions:
Early-infantile DEE. Also called: Early infantile epileptic encephalopathy with suppression bursts; Ohtahara syndrome; Early infantile epileptic encephalopathy. Identifiers: Orphanet 1934, MedGen C0393706, MONDO:0800491.
Inborn genetic diseases. Identifiers: MedGen C0950123, MeSH D030342.
Developmental and epileptic encephalopathy, 5 (DEE5). Identifiers: Orphanet 3451, MedGen C3150731, MONDO:0013277, OMIM 613477.

Allele frequency attached by ClinVar (database versions not stated): ExAC 0.00002; gnomAD 0.00002; gnomAD exomes 0.00002 and 0.00003; TOPMed 0.00003; ESP Exome Variant Server 0.00015.
gnomAD v4.1: 52 of 1,613,958 alleles (0.0032%); highest among the groups gnomAD compares: African/African-American, 0.004%; no homozygotes.

Submissions (4):

Labcorp Genetics (formerly Invitae), Labcorp
Classification: Likely benign for Early-infantile DEE. Last evaluated: 2025-02-12. Review status: criteria provided, single submitter. Criteria: Invitae Variant Classification Sherloc (09022015). Collection method: clinical testing. Allele origin: germline.

Genome-Nilou Lab
Classification: Benign for Developmental and epileptic encephalopathy, 5. Last evaluated: 2021-07-15. Review status: criteria provided, single submitter. Criteria: ACMG Guidelines, 2015. Collection method: clinical testing. Allele origin: germline. Affected: no.

Ambry Genetics
Classification: Likely benign for Inborn genetic diseases. Last evaluated: 2019-07-31. Review status: criteria provided, single submitter. Criteria: Ambry Variant Classification Scheme 2023. Collection method: clinical testing. Allele origin: germline.

GeneDx
Classification: Benign. Last evaluated: 2015-04-09. Review status: criteria provided, single submitter. Criteria: GeneDx Variant Classification (06012015). Collection method: clinical testing. Allele origin: germline. Affected: yes.
Comment: This variant is considered likely benign or benign based on one or more of the following criteria: it is a conservative change, it occurs at a poorly conserved position in the protein, it is predicted to be benign by multiple in silico algorithms, and/or has population frequency not consistent with disease.

NM_001130438.3(SPTAN1):c.7090C>T (p.Leu2364=)

Gene: SPTAN1 (spectrin alpha, non-erythrocytic 1; plus strand). Cytogenetic location: 9q34.11.
Variant type: single nucleotide variant.
Coding change: c.7090C>T on transcript NM_001130438.3 (MANE Select); coding-DNA position 7090, C replaced by T.
Protein change: p.Leu2364=; no amino-acid change (leucine 2364 retained).
Molecular consequence: synonymous variant.
Genome position (GRCh38, 1-based): chr9:128,632,648, C>T. VCF-style: chr9-128632648-C-T. GRCh37 (hg19) VCF-style: chr9-131394927-C-T.
Other names: c.7015C>T, p.Leu2339= (NM_001195532.2); c.7153C>T, p.Leu2385= (NM_001363759.2); c.7030C>T, p.Leu2344= (NM_001363765.2); c.7075C>T, p.Leu2359= (NM_003127.4).
Identifiers: ClinVar variation 238541 (VCV000238541.17), dbSNP rs374893683, ClinGen allele CA5266006.